The following is an entry in ClinVar:

NM_001715.3(BLK):c.1460A>G (p.Gln487Arg)

Gene: BLK (BLK proto-oncogene, Src family tyrosine kinase). Cytogenetic location: 8p23.1.
Variant type: single nucleotide variant.
Coding change: c.1460A>G on transcript NM_001715.3 (MANE Select); coding-DNA position 1460, A replaced by G.
Protein change: p.Gln487Arg; replaces glutamine 487 with arginine.
Molecular consequence: missense variant.
Genome position (GRCh38, 1-based): chr8:11,564,050, A>G. VCF-style: chr8-11564050-A-G. GRCh37 (hg19) VCF-style: chr8-11421559-A-G.
Other names: c.1247A>G, p.Gln416Arg (NM_001330465.2); short protein forms Q416R, Q487R.
Identifiers: ClinVar variation 2764768 (VCV002764768.3), dbSNP rs766841412, ClinGen allele CA4630527.

ClinVar aggregate classification (germline): Uncertain significance (1 of 4 stars; one submission).

gnomAD v4.1: 1 of 1,602,802 alleles (0.000062%); highest among the groups gnomAD compares: Admixed American, 0.0017%; no homozygotes.

Submission:

Labcorp Genetics (formerly Invitae), Labcorp
Classification: Uncertain significance. Last evaluated: 2023-09-30. Review status: criteria provided, single submitter. Criteria: Invitae Variant Classification Sherloc (09022015). Collection method: clinical testing. Allele origin: germline.
Comment: An algorithm developed to predict the effect of missense changes on protein structure and function (PolyPhen-2) suggests that this variant is likely to be disruptive. In summary, the available evidence is currently insufficient to determine the role of this variant in disease. Therefore, it has been classified as a Variant of Uncertain Significance. This sequence change replaces glutamine, which is neutral and polar, with arginine, which is basic and polar, at codon 487 of the BLK protein (p.Gln487Arg). The frequency data for this variant in the population databases is considered unreliable, as metrics indicate poor data quality at this position in the gnomAD database. This variant has not been reported in the literature in individuals affected with BLK-related conditions.